The following is an entry in ClinVar:

ClinVar aggregate classification (germline): Uncertain significance (1 of 4 stars; one submission).

gnomAD v4.1: 8 of 1,613,650 alleles (0.0005%); highest among the groups gnomAD compares: Non-Finnish European, 0.00068%; no homozygotes.

Submission:

Ambry Genetics
Classification: Uncertain significance. Last evaluated: 2025-11-19. Review status: criteria provided, single submitter. Criteria: Ambry Variant Classification Scheme 2023. Collection method: clinical testing. Allele origin: germline.
Comment: The c.429C>G (p.F143L) alteration is located in exon 6 (coding exon 3) of the NOD1 gene. This alteration results from a C to G substitution at nucleotide position 429, causing the phenylalanine (F) at amino acid position 143 to be replaced by a leucine (L). Based on data from gnomAD, the G allele has an overall frequency of 0.001% (3/249182) total alleles studied. The highest observed frequency was 0.003% (3/111618) of European (non-Finnish) alleles. Based on insufficient or conflicting evidence, the clinical significance of this alteration remains unclear.

NM_006092.4(NOD1):c.429C>G (p.Phe143Leu)

Gene: NOD1 (nucleotide binding oligomerization domain containing 1; minus strand). Cytogenetic location: 7p14.3.
Variant type: single nucleotide variant.
Coding change: c.429C>G on transcript NM_006092.4 (MANE Select); coding-DNA position 429, C replaced by G.
Protein change: p.Phe143Leu; replaces phenylalanine 143 with leucine.
Molecular consequence: missense variant. On other transcripts: non-coding transcript variant (1).
Genome position (GRCh38, 1-based): chr7:30,452,988, G>C on the plus strand (C>G on the coding strand, the complement: NOD1 is on the minus strand). VCF-style: chr7-30452988-G-C. GRCh37 (hg19) VCF-style: chr7-30492604-G-C.
Other names: c.429C>G, p.Phe143Leu (NM_001354849.2); short protein forms F143L.
Identifiers: ClinVar variation 4558386 (VCV004558386.1).